The following is an entry in ClinVar:

NM_005732.4(RAD50):c.3692A>G (p.Asp1231Gly)

Genes: TH2LCRR (T helper type 2 locus control region associated RNA; minus strand), RAD50 (RAD50 double strand break repair protein; plus strand), TH2-LCR (Th2 cytokine locus control region; plus strand). Cytogenetic location: 5q31.1.
Variant type: single nucleotide variant.
Coding change: c.3692A>G on transcript NM_005732.4 (MANE Select); coding-DNA position 3692, A replaced by G.
Protein change: p.Asp1231Gly; replaces aspartic acid 1231 with glycine.
Molecular consequence: missense variant.
Genome position (GRCh38, 1-based): chr5:132,640,745, A>G. VCF-style: chr5-132640745-A-G. GRCh37 (hg19) VCF-style: chr5-131976437-A-G.
Other names: short protein forms D1231G.
Identifiers: ClinVar variation 578514 (VCV000578514.13), dbSNP rs1561660975, ClinGen allele CA360934400.

ClinVar aggregate classification (germline): Uncertain significance. Review status: criteria provided, multiple submitters, no conflicts (2 of 4 stars). 2 submissions from 2 submitters: Uncertain significance (2). Last evaluated 2022-12-22.

Conditions:
Hereditary cancer-predisposing syndrome. Also called: Neoplastic Syndromes, Hereditary; Tumor predisposition; Hereditary neoplastic syndrome; Hereditary Cancer Syndrome. Identifiers: Orphanet 140162, MedGen C0027672, MeSH D009386, MONDO:0015356.

Submissions (2):

Labcorp Genetics (formerly Invitae), Labcorp
Classification: Uncertain significance for Hereditary cancer-predisposing syndrome. Last evaluated: 2022-12-22. Review status: criteria provided, single submitter. Criteria: Invitae Variant Classification Sherloc (09022015). Collection method: clinical testing. Allele origin: germline.
Comment: Advanced modeling of protein sequence and biophysical properties (such as structural, functional, and spatial information, amino acid conservation, physicochemical variation, residue mobility, and thermodynamic stability) performed at Invitae indicates that this missense variant is expected to disrupt RAD50 protein function. In summary, the available evidence is currently insufficient to determine the role of this variant in disease. Therefore, it has been classified as a Variant of Uncertain Significance. ClinVar contains an entry for this variant (Variation ID: 578514). This sequence change replaces aspartic acid, which is acidic and polar, with glycine, which is neutral and non-polar, at codon 1231 of the RAD50 protein (p.Asp1231Gly). This variant is not present in population databases (gnomAD no frequency). This variant has not been reported in the literature in individuals affected with RAD50-related conditions.

Ambry Genetics
Classification: Uncertain significance for Hereditary cancer-predisposing syndrome. Last evaluated: 2019-01-28. Review status: criteria provided, single submitter. Criteria: Ambry Variant Classification Scheme 2023. Collection method: clinical testing. Allele origin: germline.
Comment: The p.D1231G variant (also known as c.3692A>G), located in coding exon 24 of the RAD50 gene, results from an A to G substitution at nucleotide position 3692. The aspartic acid at codon 1231 is replaced by glycine, an amino acid with similar properties. This amino acid position is highly conserved in available vertebrate species. In addition, this alteration is predicted to be deleterious by in silico analysis. Since supporting evidence is limited at this time, the clinical significance of this alteration remains unclear.